The following is an entry in ClinVar:

NM_004999.4(MYO6):c.1473+10A>G

Gene: MYO6 (myosin VI; plus strand). Cytogenetic location: 6q14.1.
Variant type: single nucleotide variant.
Coding change: c.1473+10A>G on transcript NM_004999.4 (MANE Select); 10 bases into the intron after coding-DNA position 1473, A replaced by G.
Molecular consequence: intron variant.
Genome position (GRCh38, 1-based): chr6:75,859,003, A>G. VCF-style: chr6-75859003-A-G. GRCh37 (hg19) VCF-style: chr6-76568720-A-G.
Other names: c.1473+10A>G (NM_001368865.1, NM_001368866.1, NM_001368137.1 and 2 more transcripts); c.1458+10A>G (NM_001368138.1).
Identifiers: ClinVar variation 227672 (VCV000227672.4), dbSNP rs876657531, ClinGen allele CA10576706.

ClinVar aggregate classification (germline): Likely benign (1 of 4 stars; one submission).

Allele frequency attached by ClinVar (database versions not stated): gnomAD exomes below 0.00001.
gnomAD v4.1: 2 of 1,516,220 alleles (0.00013%); highest among the groups gnomAD compares: East Asian, 0.0023%; no homozygotes.

Submission:

Laboratory for Molecular Medicine, Mass General Brigham Personalized Medicine
Classification: Likely benign. Last evaluated: 2016-03-14. Review status: criteria provided, single submitter. Criteria: LMM Criteria. Collection method: clinical testing. Allele origin: germline. Observed: 1 variant allele.
Comment: c.1473+10A>G in intron 14 of MYO6: This variant is not expected to have clinical significance because it does not alter an amino acid residue and is not located within the splice consensus sequence.